The following is an entry in ClinVar:

ClinVar aggregate classification (germline): Uncertain significance (1 of 4 stars; one submission).

Conditions:
Epidermolysis bullosa simplex with nail dystrophy (EBS5D). Identifiers: MedGen C4225309, MONDO:0014661, OMIM 616487.
Epidermolysis bullosa simplex, Ogna type (EBS5A). Also called: EPIDERMOLYSIS BULLOSA SIMPLEX 5A, OGNA TYPE; Pidermolysis bullosa simplex 5A, Ogna type. Identifiers: Orphanet 79401, MedGen C0432317, MONDO:0007555, OMIM 131950.
Autosomal recessive limb-girdle muscular dystrophy type 2Q (LGMDR17). Also called: MUSCULAR DYSTROPHY, LIMB-GIRDLE, AUTOSOMAL RECESSIVE 17. Identifiers: Orphanet 254361, MedGen C3150989, MONDO:0013390, OMIM 613723.
Epidermolysis bullosa simplex 5B, with muscular dystrophy (EBS5B). Also called: EPIDERMOLYSIS BULLOSA SIMPLEX AND LIMB-GIRDLE MUSCULAR DYSTROPHY; Epidermolysis bullosa simplex with muscular dystrophy. Identifiers: Orphanet 257, MedGen C2931072, MONDO:0009181, OMIM 226670.
Epidermolysis bullosa simplex 5C, with pyloric atresia (EBS5C). Also called: PLEC1-Related Epidermolysis Bullosa with Pyloric Atresia; PLEC-Related Epidermolysis Bullosa with Pyloric Atresia; Epidermolysis bullosa simplex with pyloric atresia. Identifiers: Orphanet 158684, MedGen C2677349, MONDO:0012807, OMIM 612138.

Submission:

Labcorp Genetics (formerly Invitae), Labcorp
Classification: Uncertain significance for Autosomal recessive limb-girdle muscular dystrophy type 2Q; Epidermolysis bullosa simplex, Ogna type; Epidermolysis bullosa simplex with nail dystrophy; Epidermolysis bullosa simplex 5C, with pyloric atresia; Epidermolysis bullosa simplex 5B, with muscular dystrophy. Last evaluated: 2024-12-04. Review status: criteria provided, single submitter. Criteria: Invitae Variant Classification Sherloc (09022015). Collection method: clinical testing. Allele origin: germline.
Comment: This sequence change replaces threonine, which is neutral and polar, with lysine, which is basic and polar, at codon 3303 of the PLEC protein (p.Thr3303Lys). This variant is present in population databases (no rsID available, gnomAD 0.007%). This variant has not been reported in the literature in individuals affected with PLEC-related conditions. An algorithm developed to predict the effect of missense changes on protein structure and function (PolyPhen-2) suggests that this variant is likely to be disruptive. In summary, the available evidence is currently insufficient to determine the role of this variant in disease. Therefore, it has been classified as a Variant of Uncertain Significance.

NM_201384.3(PLEC):c.9827C>A (p.Thr3276Lys)

Gene: PLEC (plectin; minus strand). Cytogenetic location: 8q24.3.
Variant type: single nucleotide variant.
Coding change: c.9827C>A on transcript NM_201384.3 (MANE Select); coding-DNA position 9827, C replaced by A.
Protein change: p.Thr3276Lys; replaces threonine 3276 with lysine.
Molecular consequence: missense variant.
Genome position (GRCh38, 1-based): chr8:143,919,994, G>T on the plus strand (C>A on the coding strand, the complement: PLEC is on the minus strand). VCF-style: chr8-143919994-G-T. GRCh37 (hg19) VCF-style: chr8-144994162-G-T.
Other names: c.9908C>A, p.Thr3303Lys (NM_000445.5); c.6527C>A, p.Thr2176Lys (NM_001410941.1); c.9785C>A, p.Thr3262Lys (NM_201378.4); c.9761C>A, p.Thr3254Lys (NM_201379.3); c.10238C>A, p.Thr3413Lys (NM_201380.4); c.9731C>A, p.Thr3244Lys (NM_201381.3); c.9827C>A, p.Thr3276Lys (NM_201382.4); c.9839C>A, p.Thr3280Lys (NM_201383.3); short protein forms T2176K, T3244K, T3254K, T3262K, T3276K, T3280K, T3303K, T3413K.
Identifiers: ClinVar variation 3762877 (VCV003762877.2).